The following is an entry in ClinVar:

NM_004656.4(BAP1):c.1189G>A (p.Asp397Asn)

Gene: BAP1 (BRCA1 associated deubiquitinase 1; minus strand). Cytogenetic location: 3p21.1.
Variant type: single nucleotide variant.
Coding change: c.1189G>A on transcript NM_004656.4 (MANE Select); coding-DNA position 1189, G replaced by A.
Protein change: p.Asp397Asn; replaces aspartic acid 397 with asparagine.
Molecular consequence: missense variant.
Genome position (GRCh38, 1-based): chr3:52,404,514, C>T on the plus strand (G>A on the coding strand, the complement: BAP1 is on the minus strand). VCF-style: chr3-52404514-C-T. GRCh37 (hg19) VCF-style: chr3-52438530-C-T.
Other names: c.1135G>A, p.Asp379Asn (NM_001410772.1); short protein forms D379N, D397N.
Identifiers: ClinVar variation 2774752 (VCV002774752.6), dbSNP rs2153226855, ClinGen allele CA353103109.

ClinVar aggregate classification (germline): Uncertain significance. Review status: criteria provided, multiple submitters, no conflicts (2 of 4 stars). 3 submissions from 3 submitters: Uncertain significance (3). Last evaluated 2026-03-07.

Conditions:
Hereditary cancer-predisposing syndrome. Also called: Tumor predisposition; Hereditary Cancer Syndrome; Hereditary neoplastic syndrome; Neoplastic Syndromes, Hereditary. Identifiers: Orphanet 140162, MedGen C0027672, MeSH D009386, MONDO:0015356.
BAP1-related tumor predisposition syndrome (TPDS1). Also called: Tumor susceptibility linked to germline BAP1 mutations; COMMON Syndrome; TUMOR PREDISPOSITION SYNDROME 1; BAP1 tumor predisposition syndrome. Identifiers: Orphanet 289539, MedGen C3280492, MONDO:0013692, OMIM 614327.

Submissions (3):

Ambry Genetics
Classification: Uncertain significance for Hereditary cancer-predisposing syndrome. Last evaluated: 2026-03-07. Review status: criteria provided, single submitter. Criteria: Ambry Variant Classification Scheme 2023. Collection method: clinical testing. Allele origin: germline.
Comment: The p.D397N variant (also known as c.1189G>A), located in coding exon 12 of the BAP1 gene, results from a G to A substitution at nucleotide position 1189. The aspartic acid at codon 397 is replaced by asparagine, an amino acid with highly similar properties. This amino acid position is conserved. In addition, this alteration is predicted to be tolerated by in silico analysis. Based on the available evidence, the clinical significance of this variant remains unclear.

Labcorp Genetics (formerly Invitae), Labcorp
Classification: Uncertain significance for BAP1-related tumor predisposition syndrome. Last evaluated: 2025-08-09. Review status: criteria provided, single submitter. Criteria: Invitae Variant Classification Sherloc (09022015). Collection method: clinical testing. Allele origin: germline.
Comment: This sequence change replaces aspartic acid, which is acidic and polar, with asparagine, which is neutral and polar, at codon 397 of the BAP1 protein (p.Asp397Asn). This variant is not present in population databases (gnomAD no frequency). This variant has not been reported in the literature in individuals affected with BAP1-related conditions. ClinVar contains an entry for this variant (Variation ID: 2774752). Invitae Evidence Modeling of protein sequence and biophysical properties (such as structural, functional, and spatial information, amino acid conservation, physicochemical variation, residue mobility, and thermodynamic stability) indicates that this missense variant is not expected to disrupt BAP1 protein function with a negative predictive value of 80%. In summary, the available evidence is currently insufficient to determine the role of this variant in disease. Therefore, it has been classified as a Variant of Uncertain Significance.

Color Diagnostics, LLC DBA Color Health
Classification: Uncertain significance for Hereditary cancer-predisposing syndrome. Last evaluated: 2023-06-20. Review status: criteria provided, single submitter. Criteria: ACMG Guidelines, 2015. Collection method: clinical testing. Allele origin: germline.
Comment: This missense variant replaces aspartic acid with asparagine at codon 397 of the BAP1 protein. Computational prediction suggests that this variant may not impact protein structure and function (internally defined REVEL score threshold <= 0.5, PMID: 27666373). To our knowledge, functional studies have not been reported for this variant. This variant has not been reported in individuals affected with BAP1-related disorders in the literature. This variant has not been identified in the general population by the Genome Aggregation Database (gnomAD). The available evidence is insufficient to determine the role of this variant in disease conclusively. Therefore, this variant is classified as a Variant of Uncertain Significance.